The following is an entry in ClinVar:

NM_012293.3(PXDN):c.1204G>A (p.Val402Ile)

Gene: PXDN (peroxidasin; minus strand). Cytogenetic location: 2p25.3.
Variant type: single nucleotide variant.
Coding change: c.1204G>A on transcript NM_012293.3 (MANE Select); coding-DNA position 1204, G replaced by A.
Protein change: p.Val402Ile; replaces valine 402 with isoleucine.
Molecular consequence: missense variant.
Genome position (GRCh38, 1-based): chr2:1,666,301, C>T on the plus strand (G>A on the coding strand, the complement: PXDN is on the minus strand). VCF-style: chr2-1666301-C-T. GRCh37 (hg19) VCF-style: chr2-1670073-C-T.
Other names: short protein forms V402I.
Identifiers: ClinVar variation 2135993 (VCV002135993.1), dbSNP rs752762698, ClinGen allele CA1513409.
Genomic context (GRCh38, chr2:1,666,301, plus strand): 5'-GGACGCTGTCAATGTTGTTGGTCGCAGAGCACGCATACTCTCCGCTGTCCCCCTGTACGA[C>T]GTTCTGTATGTAAAGCCCGCCAGAAGGCGTGATGTTCACCCGCGGGTCAACTGGCAAGGG-3'
Protein context (NP_036425.1, residues 392-412): TPSGGLYIQN[Val402Ile]VQGDSGEYAC

ClinVar aggregate classification (germline): Uncertain significance (1 of 4 stars; one submission).

Allele frequency attached by ClinVar (database versions not stated): TOPMed 0.00003; gnomAD exomes 0.00018; ExAC 0.00027; gnomAD 0.00030.
gnomAD v4.1: 316 of 1,613,940 alleles (0.02%); highest among the groups gnomAD compares: Non-Finnish European, 0.0039%; no homozygotes.

Submission:

GeneDx
Classification: Uncertain significance. Last evaluated: 2022-07-22. Review status: criteria provided, single submitter. Criteria: GeneDx Variant Classification Process June 2021. Collection method: clinical testing. Allele origin: germline. Affected: yes.
Comment: In silico analysis supports that this missense variant does not alter protein structure/function; Has not been previously published as pathogenic or benign to our knowledge